The following is an entry in ClinVar:

ClinVar aggregate classification (germline): Uncertain significance. Review status: criteria provided, multiple submitters, no conflicts (2 of 4 stars). 2 submissions from 2 submitters: Uncertain significance (2). Last evaluated 2024-10-15.

Conditions:
Retinoblastoma (RB1). Also called: RETINOBLASTOMA, SOMATIC. Identifiers: Orphanet 790, MedGen C0035335, MeSH D012175, MONDO:0008380, OMIM 180200, HP:0009919. Disease mechanism: loss of function. Inheritance: Both sporadic and heritable forms are tested..
Hereditary cancer-predisposing syndrome. Also called: Neoplastic Syndromes, Hereditary; Tumor predisposition; Hereditary neoplastic syndrome; Hereditary Cancer Syndrome. Identifiers: Orphanet 140162, MedGen C0027672, MeSH D009386, MONDO:0015356.

gnomAD v4.1: 1 of 1,573,222 alleles (0.000064%); highest among the groups gnomAD compares: South Asian, 0.0011%; no homozygotes.

Submissions (2):

Labcorp Genetics (formerly Invitae), Labcorp
Classification: Uncertain significance for Retinoblastoma. Last evaluated: 2024-10-15. Review status: criteria provided, single submitter. Criteria: Invitae Variant Classification Sherloc (09022015). Collection method: clinical testing. Allele origin: germline.
Comment: This sequence change replaces glycine, which is neutral and non-polar, with arginine, which is basic and polar, at codon 90 of the RB1 protein (p.Gly90Arg). This variant is not present in population databases (gnomAD no frequency). This variant has not been reported in the literature in individuals affected with RB1-related conditions. Invitae Evidence Modeling of protein sequence and biophysical properties (such as structural, functional, and spatial information, amino acid conservation, physicochemical variation, residue mobility, and thermodynamic stability) indicates that this missense variant is not expected to disrupt RB1 protein function with a negative predictive value of 80%. In summary, the available evidence is currently insufficient to determine the role of this variant in disease. Therefore, it has been classified as a Variant of Uncertain Significance.

Ambry Genetics
Classification: Uncertain significance for Hereditary cancer-predisposing syndrome. Last evaluated: 2024-06-16. Review status: criteria provided, single submitter. Criteria: Ambry Variant Classification Scheme 2023. Collection method: clinical testing. Allele origin: germline.
Comment: The p.G90R variant (also known as c.268G>C), located in coding exon 3 of the RB1 gene, results from a G to C substitution at nucleotide position 268. The glycine at codon 90 is replaced by arginine, an amino acid with dissimilar properties. This amino acid position is conserved. In addition, this alteration is predicted to be tolerated by in silico analysis. Based on the available evidence, the clinical significance of this variant remains unclear.

NM_000321.3(RB1):c.268G>C (p.Gly90Arg)

Gene: RB1 (RB transcriptional corepressor 1; plus strand). Cytogenetic location: 13q14.2.
Variant type: single nucleotide variant.
Coding change: c.268G>C on transcript NM_000321.3 (MANE Select); coding-DNA position 268, G replaced by C.
Protein change: p.Gly90Arg; replaces glycine 90 with arginine.
Molecular consequence: missense variant.
Genome position (GRCh38, 1-based): chr13:48,342,602, G>C. VCF-style: chr13-48342602-G-C. GRCh37 (hg19) VCF-style: chr13-48916738-G-C.
Other names: c.268G>C, p.Gly90Arg (NM_001407165.1, NM_001407166.1); short protein forms G90R.
Identifiers: ClinVar variation 3313076 (VCV003313076.3).